The following is an entry in ClinVar:

ClinVar aggregate classification (germline): Benign/Likely benign. Review status: criteria provided, multiple submitters, no conflicts (2 of 4 stars). 3 submissions from 3 submitters: Benign (1); Likely benign (2). Last evaluated 2026-07-29.

Conditions:
Hereditary cancer-predisposing syndrome. Also called: Hereditary neoplastic syndrome; Neoplastic Syndromes, Hereditary; Tumor predisposition; Hereditary Cancer Syndrome. Identifiers: Orphanet 140162, MedGen C0027672, MeSH D009386, MONDO:0015356.
Hereditary pheochromocytoma and paraganglioma. Also called: Hereditary pheochromocytoma-paraganglioma; Hereditary paragangliomas and pheochromocytomas; Hereditary Paraganglioma-Pheochromocytoma Syndromes. Identifiers: Orphanet 29072, MedGen C4274332, MONDO:0017366.

Allele frequency attached by ClinVar (database versions not stated): gnomAD exomes below 0.00001 and 0.00001; ExAC 0.00001.
gnomAD v4.1: 3 of 1,610,932 alleles (0.00019%); highest among the groups gnomAD compares: East Asian, 0.0045%; no homozygotes.

Submissions (3):

Myriad Genetics, Inc.
Classification: Benign for Hereditary pheochromocytoma and paraganglioma. Last evaluated: 2026-07-29. Review status: criteria provided, single submitter. Criteria: Myriad Autosomal Dominant, Autosomal Recessive and X-Linked Classification Criteria (2023). Collection method: clinical testing. Allele origin: unknown.
Comment: This variant is considered benign. This variant is a silent/synonymous amino acid change and it is not expected to impact splicing.

Labcorp Genetics (formerly Invitae), Labcorp
Classification: Likely benign for Hereditary pheochromocytoma and paraganglioma. Last evaluated: 2025-06-29. Review status: criteria provided, single submitter. Criteria: Invitae Variant Classification Sherloc (09022015). Collection method: clinical testing. Allele origin: germline.

Ambry Genetics
Classification: Likely benign for Hereditary cancer-predisposing syndrome. Last evaluated: 2022-08-22. Review status: criteria provided, single submitter. Criteria: Ambry Variant Classification Scheme 2023. Collection method: clinical testing. Allele origin: germline.

NM_017849.4(TMEM127):c.204C>T (p.Val68=)

Gene: TMEM127 (transmembrane protein 127; minus strand). Cytogenetic location: 2q11.2.
Variant type: single nucleotide variant.
Coding change: c.204C>T on transcript NM_017849.4 (MANE Select); coding-DNA position 204, C replaced by T.
Protein change: p.Val68=; no amino-acid change (valine 68 retained).
Molecular consequence: synonymous variant.
Genome position (GRCh38, 1-based): chr2:96,265,178, G>A on the plus strand (C>T on the coding strand, the complement: TMEM127 is on the minus strand). VCF-style: chr2-96265178-G-A. GRCh37 (hg19) VCF-style: chr2-96930916-G-A.
Other names: c.204C>T, p.Val68= (NM_001193304.3).
Identifiers: ClinVar variation 706707 (VCV000706707.12), dbSNP rs775642794, ClinGen allele CA1777384.